The following is an entry in ClinVar:

NC_012920.1(MT-CYB):m.15263C>T

Gene: MT-CYB (mitochondrially encoded cytochrome b; plus strand).
Variant type: single nucleotide variant.
Genome position: chrM-15263-C-T.
Identifiers: ClinVar variation 693856 (VCV000693856.1), dbSNP rs200455825, ClinGen allele CA337100343.

ClinVar aggregate classification (germline): Benign (1 of 4 stars; one submission).

Conditions:
Leigh syndrome (NULS). Also called: Leigh's necrotizing encephalopathy; Leigh's disease; Leigh's syndrome; LEIGH SYNDROME, NUCLEAR; Leigh Syndrome (mtDNA deletion); Leigh Disease. Identifiers: Orphanet 506, MedGen C2931891, MONDO:0009723, OMIM 256000.

Submission:

Wong Mito Lab, Molecular and Human Genetics, Baylor College of Medicine
Classification: Benign for Leigh syndrome. Last evaluated: 2019-10-17. Review status: criteria provided, single submitter. Criteria: Modified ACMG Guidelines (Unpublished). Collection method: clinical testing. Allele origin: germline.
Comment: The NC_012920.1:m.15263C>T (YP_003024038.1:p.Pro173Ser) variant in MTCYB gene is interpretated to be a Benign variant based on the modified ACMG guidelines (unpublished). This variant meets the following evidence codes: BS1, BS2, BP4